The following is an entry in ClinVar:

ClinVar aggregate classification (germline): Uncertain significance (1 of 4 stars; one submission).

Submission:

GeneDx
Classification: Uncertain significance. Last evaluated: 2024-03-21. Review status: criteria provided, single submitter. Criteria: GeneDx Variant Classification Process June 2021. Collection method: clinical testing. Allele origin: germline. Affected: yes.
Comment: Not observed at significant frequency in large population cohorts (gnomAD); In silico analysis supports that this missense variant does not alter protein structure/function; Has not been previously published as pathogenic or benign to our knowledge

NM_001242896.3(DEPDC5):c.2185G>C (p.Ala729Pro)

Gene: DEPDC5 (DEP domain containing 5, GATOR1 subcomplex subunit; plus strand). Cytogenetic location: 22q12.3.
Variant type: single nucleotide variant.
Coding change: c.2185G>C on transcript NM_001242896.3 (MANE Select); coding-DNA position 2185, G replaced by C.
Protein change: p.Ala729Pro; replaces alanine 729 with proline.
Molecular consequence: missense variant. On other transcripts: non-coding transcript variant (4), intron variant (3).
Genome position (GRCh38, 1-based): chr22:31,836,986, G>C. VCF-style: chr22-31836986-G-C. GRCh37 (hg19) VCF-style: chr22-32232972-G-C.
Other names: c.1951G>C, p.Ala651Pro (NM_001242897.2, NM_001363854.2, NM_001364319.2); c.2185G>C, p.Ala729Pro (NM_001363852.2, NM_001364318.2, NM_001364320.2); c.2101G>C, p.Ala701Pro (NM_001369901.1, NM_001369902.1); c.2171-13G>C (NM_001136029.4, NM_014662.6, NM_001369903.1); short protein forms A651P, A701P, A729P.
Identifiers: ClinVar variation 3371314 (VCV003371314.1).
Genomic context (GRCh38, chr22:31,836,986, plus strand): 5'-TGCCATGGTGACCACATGTACCTTTTCCCCCTGTTACGTGAGGCAGTTCTGACACTGTCT[G>C]CTCCCCCTGTAGTGCCAGGCTTCTGTTGCACAGTTGGAGTGGACTGGAAGTCTCTCACTA-3'
Protein context (NP_001229825.1, residues 719-739): TSPDPILTLS[Ala729Pro]PPVVPGFCCT